The following is an entry in ClinVar:

NM_018136.5(ASPM):c.9592C>T (p.Arg3198Cys)

Gene: ASPM (assembly factor for spindle microtubules; minus strand). Cytogenetic location: 1q31.3.
Variant type: single nucleotide variant.
Coding change: c.9592C>T on transcript NM_018136.5 (MANE Select); coding-DNA position 9592, C replaced by T.
Protein change: p.Arg3198Cys; replaces arginine 3198 with cysteine.
Molecular consequence: missense variant.
Genome position (GRCh38, 1-based): chr1:197,090,894, G>A on the plus strand (C>T on the coding strand, the complement: ASPM is on the minus strand). VCF-style: chr1-197090894-G-A. GRCh37 (hg19) VCF-style: chr1-197060024-G-A.
Other names: c.4837C>T, p.Arg1613Cys (NM_001206846.2); short protein forms R1613C, R3198C.
Identifiers: ClinVar variation 1014977 (VCV001014977.10), dbSNP rs760292134, ClinGen allele CA1308917.

ClinVar aggregate classification (germline): Uncertain significance. Review status: criteria provided, multiple submitters, no conflicts (2 of 4 stars). 3 submissions from 3 submitters: Uncertain significance (3). Last evaluated 2025-11-24.

Conditions:
Microcephaly 5, primary, autosomal recessive (MCPH5). Also called: ASPM Primary Microcephaly. Identifiers: Orphanet 2512, MedGen C1837501, MONDO:0012106, OMIM 608716.

Allele frequency attached by ClinVar (database versions not stated): TOPMed 0.00001.
gnomAD v4.1: 60 of 1,612,982 alleles (0.0037%); highest among the groups gnomAD compares: South Asian, 0.049%; no homozygotes.

Submissions (3):

Greenwood Genetic Center Diagnostic Laboratories, Greenwood Genetic Center
Classification: Uncertain significance. Last evaluated: 2025-11-24. Review status: criteria provided, single submitter. Criteria: ACMG Guidelines, 2015. Collection method: clinical testing. Allele origin: germline. Affected: yes.
Comment: PM2

Revvity Omics, Revvity
Classification: Uncertain significance for Microcephaly 5, primary, autosomal recessive. Last evaluated: 2023-03-09. Review status: criteria provided, single submitter. Criteria: ACMG Guidelines, 2015. Collection method: clinical testing. Allele origin: germline.

Labcorp Genetics (formerly Invitae), Labcorp
Classification: Uncertain significance. Last evaluated: 2022-09-20. Review status: criteria provided, single submitter. Criteria: Invitae Variant Classification Sherloc (09022015). Collection method: clinical testing. Allele origin: germline.
Comment: This sequence change replaces arginine, which is basic and polar, with cysteine, which is neutral and slightly polar, at codon 3198 of the ASPM protein (p.Arg3198Cys). This variant is present in population databases (rs760292134, gnomAD 0.03%). This variant has not been reported in the literature in individuals affected with ASPM-related conditions. ClinVar contains an entry for this variant (Variation ID: 1014977). Algorithms developed to predict the effect of missense changes on protein structure and function output the following: SIFT: "Tolerated"; PolyPhen-2: "Benign"; Align-GVGD: "Class C0". The cysteine amino acid residue is found in multiple mammalian species, which suggests that this missense change does not adversely affect protein function. In summary, the available evidence is currently insufficient to determine the role of this variant in disease. Therefore, it has been classified as a Variant of Uncertain Significance.